The following is an entry in ClinVar:

NM_001128225.3(SLC39A13):c.817G>A (p.Gly273Ser)

Gene: SLC39A13 (solute carrier family 39 member 13; plus strand). Cytogenetic location: 11p11.2.
Variant type: single nucleotide variant.
Coding change: c.817G>A on transcript NM_001128225.3 (MANE Select); coding-DNA position 817, G replaced by A.
Protein change: p.Gly273Ser; replaces glycine 273 with serine.
Molecular consequence: missense variant. On other transcripts: non-coding transcript variant (1).
Genome position (GRCh38, 1-based): chr11:47,414,807, G>A. VCF-style: chr11-47414807-G-A. GRCh37 (hg19) VCF-style: chr11-47436358-G-A.
Other names: c.817G>A, p.Gly273Ser (NM_001330245.2, NM_152264.5); c.817G>A (NM_152264.4); short protein forms G273S.
Identifiers: ClinVar variation 1439757 (VCV001439757.8), dbSNP rs199989846, ClinGen allele CA5975960.
Genomic context (GRCh38, chr11:47,414,807, plus strand): 5'-CGCAGGGTGAACCTCTGGACCTCCCTTCAGGTGGGCGACTTTGCCATCCTGCTCCGGGCC[G>A]GCTTTGACCGATGGAGCGCAGCCAAGCTGCAACTCTCAACAGCGCTGGGGGGCCTACTGG-3'
Protein context (NP_001121697.2, residues 263-283): VGDFAILLRA[Gly273Ser]FDRWSAAKLQ

ClinVar aggregate classification (germline): Uncertain significance. Review status: criteria provided, multiple submitters, no conflicts (2 of 4 stars). 2 submissions from 2 submitters: Uncertain significance (2). Last evaluated 2024-05-24.

Conditions:
Ehlers-Danlos syndrome, spondylodysplastic type, 3. Also called: Ehlers-Danlos syndrome, spondylocheirodysplastic type. Identifiers: Orphanet 157965, MedGen C2676510, MONDO:0012873, OMIM 612350.
Inborn genetic diseases. Identifiers: MedGen C0950123, MeSH D030342.

Allele frequency attached by ClinVar (database versions not stated): gnomAD exomes 0.00001 and below 0.00001; 1000 Genomes Project 30x 0.00016; ExAC 0.00001; gnomAD 0.00001; TOPMed 0.00001; 1000 Genomes Project 0.00020.
gnomAD v4.1: 3 of 1,611,184 alleles (0.00019%); highest among the groups gnomAD compares: East Asian, 0.0022%; no homozygotes.

Submissions (2):

Ambry Genetics
Classification: Uncertain significance for Inborn genetic diseases. Last evaluated: 2024-05-24. Review status: criteria provided, single submitter. Criteria: Ambry Variant Classification Scheme 2023. Collection method: clinical testing. Allele origin: germline.

Labcorp Genetics (formerly Invitae), Labcorp
Classification: Uncertain significance for Ehlers-Danlos syndrome, spondylodysplastic type, 3. Last evaluated: 2021-02-09. Review status: criteria provided, single submitter. Criteria: Invitae Variant Classification Sherloc (09022015). Collection method: clinical testing. Allele origin: germline.
Comment: In summary, the available evidence is currently insufficient to determine the role of this variant in disease. Therefore, it has been classified as a Variant of Uncertain Significance. This sequence change replaces glycine with serine at codon 273 of the SLC39A13 protein (p.Gly273Ser). The glycine residue is highly conserved and there is a small physicochemical difference between glycine and serine. This variant is present in population databases (rs199989846, ExAC 0.01%). This variant has not been reported in the literature in individuals with SLC39A13-related conditions. Algorithms developed to predict the effect of missense changes on protein structure and function are either unavailable or do not agree on the potential impact of this missense change (SIFT: "Deleterious"; PolyPhen-2: "Probably Damaging"; Align-GVGD: "Class C0"). Algorithms developed to predict the effect of sequence changes on RNA splicing suggest that this variant may create or strengthen a splice site, but this prediction has not been confirmed by published transcriptional studies.